The following is an entry in ClinVar:

ClinVar aggregate classification (germline): Uncertain significance (1 of 4 stars; one submission).

Conditions:
Spastic paraplegia. Identifiers: MedGen C0037772, HP:0001258.

gnomAD v4.1: 1 of 1,614,170 alleles (0.000062%); highest among the groups gnomAD compares: Admixed American, 0.0017%; no homozygotes.

Submission:

Labcorp Genetics (formerly Invitae), Labcorp
Classification: Uncertain significance for Spastic paraplegia. Last evaluated: 2022-01-28. Review status: criteria provided, single submitter. Criteria: Invitae Variant Classification Sherloc (09022015). Collection method: clinical testing. Allele origin: germline.
Comment: This sequence change replaces proline, which is neutral and non-polar, with threonine, which is neutral and polar, at codon 862 of the ZFYVE26 protein (p.Pro862Thr). This variant is present in population databases (rs748628696, gnomAD 0.003%). This variant has not been reported in the literature in individuals affected with ZFYVE26-related conditions. Algorithms developed to predict the effect of missense changes on protein structure and function (SIFT, PolyPhen-2, Align-GVGD) all suggest that this variant is likely to be tolerated. In summary, the available evidence is currently insufficient to determine the role of this variant in disease. Therefore, it has been classified as a Variant of Uncertain Significance.

NM_015346.4(ZFYVE26):c.2584C>A (p.Pro862Thr)

Gene: ZFYVE26 (zinc finger FYVE-type containing 26; minus strand). Cytogenetic location: 14q24.1.
Variant type: single nucleotide variant.
Coding change: c.2584C>A on transcript NM_015346.4 (MANE Select); coding-DNA position 2584, C replaced by A.
Protein change: p.Pro862Thr; replaces proline 862 with threonine.
Molecular consequence: missense variant.
Genome position (GRCh38, 1-based): chr14:67,790,743, G>T on the plus strand (C>A on the coding strand, the complement: ZFYVE26 is on the minus strand). VCF-style: chr14-67790743-G-T. GRCh37 (hg19) VCF-style: chr14-68257460-G-T.
Other names: short protein forms P862T.
Identifiers: ClinVar variation 1981369 (VCV001981369.1), dbSNP rs748628696, ClinGen allele CA7240221.